The following is an entry in ClinVar:

NM_000090.4(COL3A1):c.2565T>C (p.Gly855=)

Gene: COL3A1 (collagen type III alpha 1 chain; plus strand). Cytogenetic location: 2q32.2.
Variant type: single nucleotide variant.
Coding change: c.2565T>C on transcript NM_000090.4 (MANE Select); coding-DNA position 2565, T replaced by C.
Protein change: p.Gly855=; no amino-acid change (glycine 855 retained).
Molecular consequence: synonymous variant.
Genome position (GRCh38, 1-based): chr2:189,003,422, T>C. VCF-style: chr2-189003422-T-C. GRCh37 (hg19) VCF-style: chr2-189868148-T-C.
Identifiers: ClinVar variation 921003 (VCV000921003.8), dbSNP rs774245587, ClinGen allele CA075405.
Genomic context (GRCh38, chr2:189,003,422, plus strand): 5'-ATTTTGATTTTGGTGCTATTCTTACATAATTTCCTTCCATTTCATATAGGGTCCTCCTGG[T>C]CCCCAAGGTGTCAAAGGTGAACGTGGCAGTCCTGGTGGACCTGTAAGTATTGATCCTCTT-3'
Protein context (NP_000081.2, residues 845-865): PGGSGPAGPP[Gly855=]PQGVKGERGS

ClinVar aggregate classification (germline): Likely benign. Review status: criteria provided, multiple submitters, no conflicts (2 of 4 stars). 4 submissions from 4 submitters: Likely benign (4). Last evaluated 2025-09-03.

Conditions:
Familial thoracic aortic aneurysm and aortic dissection (TAAD). Also called: Thoracic aortic aneurysms and dissections. Identifiers: Orphanet 91387, MedGen C4707243, MONDO:0019625.
Ehlers-Danlos syndrome, type 4 (EDSVASC). Also called: Ehlers-Danlos Syndrome Type IV; Ehlers-Danlos syndrome vascular type; Ehlers Danlos syndrome, ecchymotic type; Ehlers Danlos syndrome, arterial type; Ehlers Danlos syndrome, Sack-Barabas type. Identifiers: Orphanet 286, MedGen C0268338, MONDO:0017314, OMIM 130050.

Allele frequency attached by ClinVar (database versions not stated): gnomAD exomes below 0.00001; ExAC 0.00001; gnomAD 0.00001; TOPMed 0.00004.
gnomAD v4.1: 4 of 1,613,854 alleles (0.00025%); highest among the groups gnomAD compares: African/African-American, 0.0053%; no homozygotes.

Submissions (4):

Labcorp Genetics (formerly Invitae), Labcorp
Classification: Likely benign for Ehlers-Danlos syndrome, type 4. Last evaluated: 2025-09-03. Review status: criteria provided, single submitter. Criteria: Invitae Variant Classification Sherloc (09022015). Collection method: clinical testing. Allele origin: germline.

All of Us Research Program, National Institutes of Health
Classification: Likely benign for Ehlers-Danlos syndrome, type 4. Last evaluated: 2024-02-05. Review status: criteria provided, single submitter. Criteria: ACMG Guidelines, 2015. Collection method: clinical testing. Allele origin: germline. Inheritance: Autosomal dominant inheritance. Observed: 5 variant alleles, 5 heterozygotes.
Comment: This study involves interpretation of variants in research participants for the purpose of population health screening. Participant phenotype was not available at the time of variant classification. Additional details can be found in publication PMID: 35346344, PMCID: PMC8962531

Ambry Genetics
Classification: Likely benign for Familial thoracic aortic aneurysm and aortic dissection. Last evaluated: 2023-08-13. Review status: criteria provided, single submitter. Criteria: Ambry Variant Classification Scheme 2023. Collection method: clinical testing. Allele origin: germline.

Color Diagnostics, LLC DBA Color Health
Classification: Likely benign for Familial thoracic aortic aneurysm and aortic dissection. Last evaluated: 2018-11-08. Review status: criteria provided, single submitter. Criteria: ACMG Guidelines, 2015. Collection method: clinical testing. Allele origin: germline.